The following is an entry in ClinVar:

NM_000051.4(ATM):c.2638+6T>C

Gene: ATM (ATM serine/threonine kinase; plus strand). Cytogenetic location: 11q22.3.
Variant type: single nucleotide variant.
Coding change: c.2638+6T>C on transcript NM_000051.4 (MANE Select); 6 bases into the intron after coding-DNA position 2638, T replaced by C.
Molecular consequence: intron variant.
Genome position (GRCh38, 1-based): chr11:108,267,348, T>C. VCF-style: chr11-108267348-T-C. GRCh37 (hg19) VCF-style: chr11-108138075-T-C.
Other names: c.2638+6T>C (NM_001351834.2).
Identifiers: ClinVar variation 407512 (VCV000407512.25), dbSNP rs768305533, ClinGen allele CA6265071.
Genomic context (GRCh38, chr11:108,267,348, plus strand): 5'-CCTGATAGTAGTGTTAGTGATGCAAACGAACCTGGAGAGAGCCAAAGTACCATAGGTAAA[T>C]ACATATTTACTACTTGGGATTTCTTTTACTTCTTTATATTGATTTGGCAGTATAAGAGGC-3'

ClinVar aggregate classification (germline): Conflicting classifications of pathogenicity. Review status: criteria provided, conflicting classifications (1 of 4 stars). 7 submissions from 7 submitters: Uncertain significance (4); Likely benign (2). 1 of the submissions does not count toward it. Last evaluated 2026-02-02.

Conditions:
Hereditary cancer-predisposing syndrome. Also called: Hereditary neoplastic syndrome; Neoplastic Syndromes, Hereditary; Tumor predisposition; Hereditary Cancer Syndrome. Identifiers: Orphanet 140162, MedGen C0027672, MeSH D009386, MONDO:0015356.
Ataxia-telangiectasia syndrome (AT). Also called: Ataxia telangiectasia (A-T); LOUIS-BAR SYNDROME; Cerebello-oculocutaneous telangiectasia; Immunodeficiency with ataxia telangiectasia; Ataxia-telangiectasia, complementation group D; AT, COMPLEMENTATION GROUP C. Identifiers: Orphanet 100, MedGen C0004135, MONDO:0008840, OMIM 208900.
Familial cancer of breast. Also called: Hereditary breast cancer; hereditary breast carcinoma; BREAST CANCER, FAMILIAL. Identifiers: Orphanet 227535, MedGen C0346153, MONDO:0016419, OMIM 114480. Disease mechanism: loss of function.

Allele frequency attached by ClinVar (database versions not stated): TOPMed below 0.00001; ExAC 0.00001; gnomAD exomes 0.00001 and 0.00002.
gnomAD v4.1: 9 of 1,613,310 alleles (0.00056%); highest among the groups gnomAD compares: Admixed American, 0.01%; no homozygotes.

Submissions (7):

Labcorp Genetics (formerly Invitae), Labcorp
Classification: Likely benign for Ataxia-telangiectasia syndrome. Last evaluated: 2026-02-02. Review status: criteria provided, single submitter. Criteria: Invitae Variant Classification Sherloc (09022015). Collection method: clinical testing. Allele origin: germline.

Molecular Diagnostics Laboratory, Catalan Institute of Oncology
Classification: Uncertain significance for Hereditary cancer-predisposing syndrome. Last evaluated: 2025-02-27. Review status: criteria provided, single submitter. Criteria: ClinGen ACMG Specifications ATM V1.1.0. Collection method: clinical testing. Allele origin: germline.
Comment: BP4 ATM:c.2638+6T>C is an intronic variant located close to a canonical splice site. This variant is found in 5/236786 alleles at a frequency of 0.002% in the gnomAD v2.1.1 database, non-cancer dataset. The SpliceAI algorithm predicts no significant impact on splicing (BP4). To our knowledge, neither relevant clinical data nor well-established functional studies have been reported for this variant. This variant has been reported in the ClinVar database (2x likely benign, 3x uncertain significance) and has not been reported in LOVD. Based on currently available information, the variant c.2638+6T>C should be considered an uncertain significance variant according to ACMG Classification Rules Specified for ATM v1.1.

GeneDx
Classification: Uncertain significance. Last evaluated: 2023-09-28. Review status: criteria provided, single submitter. Criteria: GeneDx Variant Classification Process June 2021. Collection method: clinical testing. Allele origin: germline. Affected: yes.
Comment: Not observed at significant frequency in large population cohorts (gnomAD); In silico analysis supports that this variant does not alter splicing; Has not been previously published as pathogenic or benign to our knowledge

Department of Pathology and Laboratory Medicine, Sinai Health System
Classification: Uncertain significance for Familial cancer of breast; Ataxia-telangiectasia syndrome. Last evaluated: 2023-07-11. Review status: criteria provided, single submitter. Criteria: ACMG Guidelines, 2015. Collection method: clinical testing. Allele origin: germline. Affected: no.

Quest Diagnostics Nichols Institute San Juan Capistrano
Classification: Uncertain significance. Last evaluated: 2021-08-12. Review status: criteria provided, single submitter. Criteria: Quest Diagnostics criteria. Collection method: clinical testing. Allele origin: unknown.

Color Diagnostics, LLC DBA Color Health
Classification: Likely benign for Hereditary cancer-predisposing syndrome. Last evaluated: 2017-09-11. Review status: criteria provided, single submitter. Criteria: ACMG Guidelines, 2015. Collection method: clinical testing. Allele origin: germline.

Natera, Inc.
Classification: Uncertain significance for Ataxia-telangiectasia. Last evaluated: 2020-09-15. Review status: no assertion criteria provided. Collection method: clinical testing. Allele origin: germline. Not counted in ClinVar's aggregate classification.